The following is an entry in ClinVar:

ClinVar aggregate classification (germline): Uncertain significance (1 of 4 stars; one submission).

Submission:

Labcorp Genetics (formerly Invitae), Labcorp
Classification: Uncertain significance. Last evaluated: 2020-07-21. Review status: criteria provided, single submitter. Criteria: Invitae Variant Classification Sherloc (09022015). Collection method: clinical testing. Allele origin: germline.
Comment: This variant has not been reported in the literature in individuals with REST-related conditions. This sequence change replaces leucine with arginine at codon 140 of the REST protein (p.Leu140Arg). The leucine residue is moderately conserved and there is a moderate physicochemical difference between leucine and arginine. This variant is not present in population databases (ExAC no frequency). Algorithms developed to predict the effect of missense changes on protein structure and function are either unavailable or do not agree on the potential impact of this missense change (SIFT: "Tolerated"; PolyPhen-2: "Possibly Damaging"; Align-GVGD: "Class C0"). In summary, the available evidence is currently insufficient to determine the role of this variant in disease. Therefore, it has been classified as a Variant of Uncertain Significance.

NM_005612.5(REST):c.419T>G (p.Leu140Arg)

Gene: REST (RE1 silencing transcription factor; plus strand). Cytogenetic location: 4q12.
Variant type: single nucleotide variant.
Coding change: c.419T>G on transcript NM_005612.5 (MANE Select); coding-DNA position 419, T replaced by G.
Protein change: p.Leu140Arg; replaces leucine 140 with arginine.
Molecular consequence: missense variant.
Genome position (GRCh38, 1-based): chr4:56,911,057, T>G. VCF-style: chr4-56911057-T-G. GRCh37 (hg19) VCF-style: chr4-57777223-T-G.
Other names: c.419T>G, p.Leu140Arg (NM_001193508.2, NM_001363453.3); short protein forms L140R.
Identifiers: ClinVar variation 1041077 (VCV001041077.8), dbSNP rs1719881567, ClinGen allele CA357003846.